The following is an entry in ClinVar:

ClinVar aggregate classification (germline): Uncertain significance (1 of 4 stars; one submission).

Conditions:
LAMA2-related muscular dystrophy (LAMA2-RD). Also called: Laminin alpha 2-related dystrophy. Identifiers: MedGen C5679788, MONDO:0100228.

Allele frequency attached by ClinVar (database versions not stated): TOPMed below 0.00001; gnomAD 0.00001; gnomAD exomes 0.00001.
gnomAD v4.1: 13 of 1,614,020 alleles (0.00081%); highest among the groups gnomAD compares: East Asian, 0.0022%; no homozygotes.

Submission:

Labcorp Genetics (formerly Invitae), Labcorp
Classification: Uncertain significance for LAMA2-related muscular dystrophy. Last evaluated: 2023-07-07. Review status: criteria provided, single submitter. Criteria: Invitae Variant Classification Sherloc (09022015). Collection method: clinical testing. Allele origin: germline.
Comment: In summary, the available evidence is currently insufficient to determine the role of this variant in disease. Therefore, it has been classified as a Variant of Uncertain Significance. Advanced modeling of protein sequence and biophysical properties (such as structural, functional, and spatial information, amino acid conservation, physicochemical variation, residue mobility, and thermodynamic stability) performed at Invitae indicates that this missense variant is not expected to disrupt LAMA2 protein function. ClinVar contains an entry for this variant (Variation ID: 355282). This variant has not been reported in the literature in individuals affected with LAMA2-related conditions. This variant is present in population databases (no rsID available, gnomAD 0.007%). This sequence change replaces lysine, which is basic and polar, with glutamic acid, which is acidic and polar, at codon 1889 of the LAMA2 protein (p.Lys1889Glu).

NM_000426.4(LAMA2):c.5665A>G (p.Lys1889Glu)

Gene: LAMA2 (laminin subunit alpha 2; plus strand). Cytogenetic location: 6q22.33.
Variant type: single nucleotide variant.
Coding change: c.5665A>G on transcript NM_000426.4 (MANE Select); coding-DNA position 5665, A replaced by G.
Protein change: p.Lys1889Glu; replaces lysine 1889 with glutamic acid.
Molecular consequence: missense variant.
Genome position (GRCh38, 1-based): chr6:129,402,426, A>G. VCF-style: chr6-129402426-A-G. GRCh37 (hg19) VCF-style: chr6-129723571-A-G.
Other names: c.5665A>G, p.Lys1889Glu (NM_001079823.2); short protein forms K1889E.
Identifiers: ClinVar variation 355282 (VCV000355282.10), dbSNP rs886061051, ClinGen allele CA10625877.